The following is an entry in ClinVar:

ClinVar aggregate classification (germline): Pathogenic (1 of 4 stars; one submission).

Conditions:
Rare genetic deafness. Identifiers: Orphanet 96210, MedGen C5680250.

Submission:

Laboratory for Molecular Medicine, Mass General Brigham Personalized Medicine
Classification: Pathogenic for Rare genetic deafness. Last evaluated: 2018-08-24. Review status: criteria provided, single submitter. Criteria: LMM Criteria. Collection method: clinical testing. Allele origin: germline. Inheritance: Autosomal dominant inheritance. Observed: 1 variant allele.
Comment: The deletion of exons 3-9 in PAX3 encompasses 7 of the 9 exons in transcript NM_ 001127366.2. This deletion is expected to result in an absent or truncated prote in. Several deletions encompassing the entire PAX3 gene have been reported in in dividuals with type 1 Waardenburg syndrome (Drozniewska 2014, Matsunaga 2013, Ny e 1998, Wildhardt 2013). Two unrelated individuals had myelomeningocele in addit ion to Waardenburg syndrome, and each harbored a de novo deletion of 2q35-36.2, which encompassed PAX3 (Nye 1998). Due to limitations of the testing methodology , the exact breakpoints of the detected deletion could not be determined, and fo llow-up testing by chromosomal microarray may help assess whether neighboring ge nes are impacted. In summary, this variant meets criteria to be classified as pa thogenic for autosomal dominant type 1 Waardenburg syndrome based on the predict ed impact of the variant, absence from population databases, and presence in an individual with clinical features of type 1 Waardenburg syndrome. ACMG/AMP crite ria applied: PVS1, PM2, PP4.

Literature cited by the submitters: PubMed 23163891; PubMed 23512835; PubMed 9482647; PubMed 24839464.

NC_000002.12:g.(?_222201051)_(222295679_?)del

Gene: PAX3 (paired box 3; minus strand). Cytogenetic location: 2q36.1.
Variant type: Deletion.
Identifiers: ClinVar variation 667019 (VCV000667019.4).